The following is an entry in ClinVar:

NM_012308.3(KDM2A):c.43-2A>G

Gene: KDM2A (lysine demethylase 2A; plus strand). Cytogenetic location: 11q13.2.
Variant type: single nucleotide variant.
Coding change: c.43-2A>G on transcript NM_012308.3 (MANE Select); the canonical splice acceptor site of the intron before coding-DNA position 43, A replaced by G.
Molecular consequence: splice acceptor variant.
Genome position (GRCh38, 1-based): chr11:67,180,077, A>G. VCF-style: chr11-67180077-A-G. GRCh37 (hg19) VCF-style: chr11-66947548-A-G.
Identifiers: ClinVar variation 4526997 (VCV004526997.1).
Genomic context (GRCh38, chr11:67,180,077, plus strand): 5'-ACCACTTGTAGGTAGGCATGAAAAAGTGCATGATTTCATCAGTATGTTCCTTTCTTTCCT[A>G]GCGTGGTACCATGCGACGACGCTATGAAGATGATGGCATTTCAGATGATGAAATTGAAGG-3'

ClinVar aggregate classification (germline): Uncertain significance (1 of 4 stars; one submission).

Submission:

GeneDx
Classification: Uncertain significance. Last evaluated: 2023-05-02. Review status: criteria provided, single submitter. Criteria: GeneDx Variant Classification Process June 2021. Collection method: clinical testing. Allele origin: germline. Affected: yes.
Comment: Not observed at significant frequency in large population cohorts (gnomAD); Has not been previously published as pathogenic or benign to our knowledge; Canonical splice site variant in a gene or region of a gene for which loss of function is not a well-established mechanism of disease; Variants in candidate genes are classified as variants of uncertain significance in accordance with ACMG guidelines (Richards et al., 2015)